The following is an entry in ClinVar:

ClinVar aggregate classification (germline): Uncertain significance. Review status: criteria provided, multiple submitters, no conflicts (2 of 4 stars). 4 submissions from 4 submitters: Uncertain significance (4). Last evaluated 2025-12-29.

Conditions:
Hereditary cancer-predisposing syndrome. Also called: Neoplastic Syndromes, Hereditary; Hereditary neoplastic syndrome; Tumor predisposition; Hereditary Cancer Syndrome. Identifiers: Orphanet 140162, MedGen C0027672, MeSH D009386, MONDO:0015356.
POLD1-related polyposis and colorectal cancer syndrome (CRCS10). Also called: Colorectal cancer 10; COLORECTAL CANCER, SUSCEPTIBILITY TO, ON CHROMOSOME 19q; Colorectal cancer, susceptibility to, 10. Identifiers: Orphanet 220460, MedGen C2675481, MONDO:0012953, OMIM 612591.

Allele frequency attached by ClinVar (database versions not stated): TOPMed 0.00002.
gnomAD v4.1: 42 of 1,565,310 alleles (0.0027%); highest among the groups gnomAD compares: Non-Finnish European, 0.0034%; no homozygotes.

Submissions (4):

Center for Genomic Medicine, Rigshospitalet, Copenhagen University Hospital
Classification: Uncertain significance. Last evaluated: 2025-12-29. Review status: criteria provided, single submitter. Criteria: ACMG Guidelines, 2015. Collection method: clinical testing. Allele origin: germline.

Labcorp Genetics (formerly Invitae), Labcorp
Classification: Uncertain significance for POLD1-related polyposis and colorectal cancer syndrome. Last evaluated: 2025-11-17. Review status: criteria provided, single submitter. Criteria: Invitae Variant Classification Sherloc (09022015). Collection method: clinical testing. Allele origin: germline.
Comment: This sequence change replaces cysteine, which is neutral and slightly polar, with tryptophan, which is neutral and slightly polar, at codon 991 of the POLD1 protein (p.Cys991Trp). The frequency data for this variant in the population databases is considered unreliable, as metrics indicate poor data quality at this position in the gnomAD database. This variant has not been reported in the literature in individuals affected with POLD1-related conditions. ClinVar contains an entry for this variant (Variation ID: 469318). Invitae Evidence Modeling of protein sequence and biophysical properties (such as structural, functional, and spatial information, amino acid conservation, physicochemical variation, residue mobility, and thermodynamic stability) indicates that this missense variant is not expected to disrupt POLD1 protein function with a negative predictive value of 80%. In summary, the available evidence is currently insufficient to determine the role of this variant in disease. Therefore, it has been classified as a Variant of Uncertain Significance.

Ambry Genetics
Classification: Uncertain significance for Hereditary cancer-predisposing syndrome. Last evaluated: 2024-11-08. Review status: criteria provided, single submitter. Criteria: Ambry Variant Classification Scheme 2023. Collection method: clinical testing. Allele origin: germline.
Comment: The p.C991W variant (also known as c.2973C>G), located in coding exon 23 of the POLD1 gene, results from a C to G substitution at nucleotide position 2973. The cysteine at codon 991 is replaced by tryptophan, an amino acid with highly dissimilar properties. This amino acid position is well conserved in available vertebrate species. In addition, this alteration is predicted to be tolerated by in silico analysis. Based on the available evidence, the clinical significance of this variant remains unclear.

GeneDx
Classification: Uncertain significance. Last evaluated: 2022-12-02. Review status: criteria provided, single submitter. Criteria: GeneDx Variant Classification Process June 2021. Collection method: clinical testing. Allele origin: germline. Affected: yes.
Comment: Not observed at significant frequency in large population cohorts (gnomAD); In silico analysis, which includes protein predictors and evolutionary conservation, supports that this variant does not alter protein structure/function; Has not been previously published as pathogenic or benign to our knowledge; This variant is associated with the following publications: (PMID: 29056344, 32041611)

NM_002691.4(POLD1):c.2973C>G (p.Cys991Trp)

Gene: POLD1 (DNA polymerase delta 1, catalytic subunit; plus strand). Cytogenetic location: 19q13.33.
Variant type: single nucleotide variant.
Coding change: c.2973C>G on transcript NM_002691.4 (MANE Select); coding-DNA position 2973, C replaced by G.
Protein change: p.Cys991Trp; replaces cysteine 991 with tryptophan.
Molecular consequence: missense variant. On other transcripts: non-coding transcript variant (1).
Genome position (GRCh38, 1-based): chr19:50,416,629, C>G. VCF-style: chr19-50416629-C-G. GRCh37 (hg19) VCF-style: chr19-50919886-C-G.
Other names: c.2973C>G, p.Cys991Trp (NM_001256849.1); c.3051C>G, p.Cys1017Trp (NM_001308632.1); c.2973C>G (NM_002691.2); short protein forms C1017W, C991W.
Identifiers: ClinVar variation 469318 (VCV000469318.12), dbSNP rs944183404, ClinGen allele CA406986838.